The following is an entry in ClinVar:

ClinVar aggregate classification (germline): Uncertain significance (1 of 4 stars; one submission).

Conditions:
Primary ciliary dyskinesia. Also called: Ciliary dyskinesia. Identifiers: Orphanet 244, MedGen C0008780, MONDO:0016575, HP:0012265.

Allele frequency attached by ClinVar (database versions not stated): TOPMed 0.00006; gnomAD exomes 0.00008; ESP Exome Variant Server 0.00015; ExAC 0.00018; gnomAD 0.00021.
gnomAD v4.1: 152 of 1,613,870 alleles (0.0094%); highest among the groups gnomAD compares: Middle Eastern, 0.016%; no homozygotes.

Submission:

Labcorp Genetics (formerly Invitae), Labcorp
Classification: Uncertain significance for Primary ciliary dyskinesia. Last evaluated: 2025-02-24. Review status: criteria provided, single submitter. Criteria: Invitae Variant Classification Sherloc (09022015). Collection method: clinical testing. Allele origin: germline.
Comment: This sequence change replaces arginine, which is basic and polar, with histidine, which is basic and polar, at codon 4521 of the DNAH8 protein (p.Arg4521His). This variant is present in population databases (rs143366223, gnomAD 0.2%). This variant has not been reported in the literature in individuals affected with DNAH8-related conditions. ClinVar contains an entry for this variant (Variation ID: 2164109). Invitae Evidence Modeling of protein sequence and biophysical properties (such as structural, functional, and spatial information, amino acid conservation, physicochemical variation, residue mobility, and thermodynamic stability) indicates that this missense variant is not expected to disrupt DNAH8 protein function with a negative predictive value of 80%. In summary, the available evidence is currently insufficient to determine the role of this variant in disease. Therefore, it has been classified as a Variant of Uncertain Significance.

NM_001206927.2(DNAH8):c.13562G>A (p.Arg4521His)

Gene: DNAH8 (dynein axonemal heavy chain 8; plus strand). Cytogenetic location: 6p21.2.
Variant type: single nucleotide variant.
Coding change: c.13562G>A on transcript NM_001206927.2 (MANE Select); coding-DNA position 13562, G replaced by A.
Protein change: p.Arg4521His; replaces arginine 4521 with histidine.
Molecular consequence: missense variant.
Genome position (GRCh38, 1-based): chr6:39,012,485, G>A. VCF-style: chr6-39012485-G-A. GRCh37 (hg19) VCF-style: chr6-38980261-G-A.
Other names: c.12911G>A, p.Arg4304His (NM_001371.4); short protein forms R4304H, R4521H.
Identifiers: ClinVar variation 2164109 (VCV002164109.3), dbSNP rs143366223, ClinGen allele CA3791707.